The following is an entry in ClinVar:

ClinVar aggregate classification (germline): Conflicting classifications of pathogenicity. Review status: criteria provided, conflicting classifications (1 of 4 stars). 2 submissions from 2 submitters: Uncertain significance (1); Likely benign (1). Last evaluated 2024-02-22.

Conditions:
Long QT syndrome (LQTS). Identifiers: MedGen C0023976, MeSH D008133, MONDO:0002442. Disease mechanism: loss of function. Inheritance: Various modes of inheritance.
Long QT syndrome 11 (LQT11). Identifiers: Orphanet 101016, Orphanet 768, MedGen C2678483, MONDO:0012738, OMIM 611820.

Allele frequency attached by ClinVar (database versions not stated): TOPMed 0.00001.
gnomAD v4.1: 43 of 1,614,054 alleles (0.0027%); highest among the groups gnomAD compares: South Asian, 0.036%; no homozygotes.

Submissions (2):

Labcorp Genetics (formerly Invitae), Labcorp
Classification: Uncertain significance for Long QT syndrome. Last evaluated: 2024-02-22. Review status: criteria provided, single submitter. Criteria: Invitae Variant Classification Sherloc (09022015). Collection method: clinical testing. Allele origin: germline.
Comment: This sequence change replaces arginine, which is basic and polar, with leucine, which is neutral and non-polar, at codon 3766 of the AKAP9 protein (p.Arg3766Leu). This variant is present in population databases (rs137892407, gnomAD 0.03%). This variant has not been reported in the literature in individuals affected with AKAP9-related conditions. ClinVar contains an entry for this variant (Variation ID: 652516). An algorithm developed to predict the effect of missense changes on protein structure and function (PolyPhen-2) suggests that this variant is likely to be disruptive. In summary, the available evidence is currently insufficient to determine the role of this variant in disease. Therefore, it has been classified as a Variant of Uncertain Significance.

Blueprint Genetics
Classification: Likely benign. Last evaluated: 2022-05-10. Review status: criteria provided, single submitter. Criteria: ACMG Guidelines, 2015. Collection method: clinical testing. Allele origin: germline.

NM_005751.5(AKAP9):c.11297G>T (p.Arg3766Leu)

Gene: AKAP9 (A-kinase anchoring protein 9; plus strand). Cytogenetic location: 7q21.2.
Variant type: single nucleotide variant.
Coding change: c.11297G>T on transcript NM_005751.5 (MANE Select); coding-DNA position 11297, G replaced by T.
Protein change: p.Arg3766Leu; replaces arginine 3766 with leucine.
Molecular consequence: missense variant.
Genome position (GRCh38, 1-based): chr7:92,102,793, G>T. VCF-style: chr7-92102793-G-T. GRCh37 (hg19) VCF-style: chr7-91732107-G-T.
Other names: c.5942G>T, p.Arg1981Leu (NM_001379277.1); c.11273G>T, p.Arg3758Leu (NM_147185.3); short protein forms R3758L, R3766L, R1981L.
Identifiers: ClinVar variation 652516 (VCV000652516.12), dbSNP rs137892407, ClinGen allele CA4338137.